The following is an entry in ClinVar:

ClinVar aggregate classification (germline): Uncertain significance (1 of 4 stars; one submission).

Submission:

GeneDx
Classification: Uncertain significance. Last evaluated: 2025-02-21. Review status: criteria provided, single submitter. Criteria: GeneDx Variant Classification Process June 2021. Collection method: clinical testing. Allele origin: germline. Affected: yes.
Comment: Not observed at significant frequency in large population cohorts (gnomAD); In silico analysis indicates that this missense variant does not alter protein structure/function; Has not been previously published as pathogenic or benign to our knowledge

NM_001003694.2(BRPF1):c.3607C>A (p.Gln1203Lys)

Gene: BRPF1 (bromodomain and PHD finger containing 1; plus strand). Cytogenetic location: 3p25.3.
Variant type: single nucleotide variant.
Coding change: c.3607C>A on transcript NM_001003694.2 (MANE Select); coding-DNA position 3607, C replaced by A.
Protein change: p.Gln1203Lys; replaces glutamine 1203 with lysine.
Molecular consequence: missense variant. On other transcripts: non-coding transcript variant (1).
Genome position (GRCh38, 1-based): chr3:9,747,293, C>A. VCF-style: chr3-9747293-C-A. GRCh37 (hg19) VCF-style: chr3-9788977-C-A.
Other names: c.3304C>A, p.Gln1102Lys (NM_001319049.2); c.3586C>A, p.Gln1196Lys (NM_001319050.2, NM_001438343.1); c.3604C>A, p.Gln1202Lys (NM_001410704.1); c.3691C>A, p.Gln1231Lys (NM_001437892.1); c.3688C>A, p.Gln1230Lys (NM_001438342.1); c.3322C>A, p.Gln1108Lys (NM_001438344.1); c.3319C>A, p.Gln1107Lys (NM_001438345.1); c.3301C>A, p.Gln1101Lys (NM_001438346.1); and 1 more; short protein forms Q1101K, Q1102K, Q1107K, Q1108K, Q1196K, Q1197K, Q1202K, Q1203K.
Identifiers: ClinVar variation 4076911 (VCV004076911.1).
Genomic context (GRCh38, chr3:9,747,293, plus strand): 5'-CTGGAGGGCCGCAAGTCCAACATCCGCAAGTCAGTACAGATCGCCTACCACAGGGCTCTG[C>A]AGCACCGCAGCAAGGTGCAAGGCGAGCAGAGCAGTGAGACCAGCGATAGTGATTGATACT-3'
Protein context (NP_001003694.1, residues 1193-1213): SVQIAYHRAL[Gln1203Lys]HRSKVQGEQS